The following is an entry in ClinVar:

ClinVar aggregate classification (germline): Conflicting classifications of pathogenicity. Review status: criteria provided, conflicting classifications (1 of 4 stars). 4 submissions from 4 submitters: Uncertain significance (2); Likely benign (2). Last evaluated 2026-06-26.

Conditions:
GRIN2D-related disorder. Also called: GRIN2D-related condition.
Inborn genetic diseases. Identifiers: MedGen C0950123, MeSH D030342.

Allele frequency attached by ClinVar (database versions not stated): gnomAD 0.00001 and 0.00002; TOPMed 0.00002; 1000 Genomes Project 30x 0.00031.
gnomAD v4.1: 4 of 1,235,772 alleles (0.00032%); highest among the groups gnomAD compares: Admixed American, 0.017%; no homozygotes.

Submissions (4):

Ambry Genetics
Classification: Likely benign for Inborn genetic diseases. Last evaluated: 2026-06-26. Review status: criteria provided, single submitter. Criteria: Ambry Variant Classification Scheme 2023. Collection method: clinical testing. Allele origin: germline.

CeGaT Center for Human Genetics Tuebingen
Classification: Likely benign. Last evaluated: 2026-05-01. Review status: criteria provided, single submitter. Criteria: CeGaT Center For Human Genetics Tuebingen Variant Classification Criteria Version 2. Collection method: clinical testing. Allele origin: germline. Affected: yes. Observed: 1 variant allele.
Comment: GRIN2D: BS2

Labcorp Genetics (formerly Invitae), Labcorp
Classification: Uncertain significance. Last evaluated: 2026-01-01. Review status: criteria provided, single submitter. Criteria: Invitae Variant Classification Sherloc (09022015). Collection method: clinical testing. Allele origin: germline.
Comment: This sequence change replaces proline, which is neutral and non-polar, with serine, which is neutral and polar, at codon 1213 of the GRIN2D protein (p.Pro1213Ser). This variant is present in population databases (no rsID available, gnomAD 0.1%). This missense change has been observed in individual(s) with clinical features of GRIN2D-related conditions (internal data). ClinVar contains an entry for this variant (Variation ID: 1462409). Invitae Evidence Modeling of protein sequence and biophysical properties (such as structural, functional, and spatial information, amino acid conservation, physicochemical variation, residue mobility, and thermodynamic stability) indicates that this missense variant is not expected to disrupt GRIN2D protein function with a negative predictive value of 95%. In summary, the available evidence is currently insufficient to determine the role of this variant in disease. Therefore, it has been classified as a Variant of Uncertain Significance.

PreventionGenetics, part of Exact Sciences
Classification: Uncertain significance for GRIN2D-related condition. Last evaluated: 2022-09-21. Review status: criteria provided, single submitter. Criteria: ACMG Guidelines, 2015. Collection method: clinical testing. Allele origin: germline.
Comment: The GRIN2D c.3637C>T variant is predicted to result in the amino acid substitution p.Pro1213Ser. To our knowledge, this variant has not been reported in the literature. This variant is reported in 0.12% of alleles in individuals of Latino descent in gnomAD (one allele). Although we suspect that this variant may be benign, at this time, the clinical significance of this variant is uncertain due to the absence of conclusive functional and genetic evidence.

NM_000836.4(GRIN2D):c.3637C>T (p.Pro1213Ser)

Gene: GRIN2D (glutamate ionotropic receptor NMDA type subunit 2D; plus strand). Cytogenetic location: 19q13.33.
Variant type: single nucleotide variant.
Coding change: c.3637C>T on transcript NM_000836.4 (MANE Select); coding-DNA position 3637, C replaced by T.
Protein change: p.Pro1213Ser; replaces proline 1213 with serine.
Molecular consequence: missense variant.
Genome position (GRCh38, 1-based): chr19:48,443,563, C>T. VCF-style: chr19-48443563-C-T. GRCh37 (hg19) VCF-style: chr19-48946820-C-T.
Other names: c.3637C>T (NM_000836.2); short protein forms P1213S.
Identifiers: ClinVar variation 1462409 (VCV001462409.10), dbSNP rs1448941653, ClinGen allele CA406677264.